The following is an entry in ClinVar:

NM_001134407.3(GRIN2A):c.384del (p.His128fs)

Gene: GRIN2A (glutamate ionotropic receptor NMDA type subunit 2A; minus strand). Cytogenetic location: 16p13.2.
Variant type: Deletion.
Coding change: c.384del on transcript NM_001134407.3 (MANE Select); coding-DNA position 384, one base deleted (T; older notation c.384delT).
Protein change: p.His128fs; shifts the reading frame from histidine 128.
Molecular consequence: frameshift variant.
Genome position (GRCh38, 1-based): chr16:10,180,028, A deleted on the plus strand (T on the coding strand, the reverse complement: GRIN2A is on the minus strand). VCF-style (leftmost placement, unchanged base first): chr16-10180027-CA-C. GRCh37 (hg19) VCF-style: chr16-10273884-CA-C.
Other names: c.384del, p.His128fs (NM_000833.5, NM_001134408.2); short protein forms H128fs.
Identifiers: ClinVar variation 3663787 (VCV003663787.2).
Genomic context (GRCh38, chr16:10,180,027, plus strand): 5'-GTCCTGGCAGGGCATCAGTTTCCGGCCTTACCTTGTCAGCCATGATCATAGATGCGCCCC[CA>C]TGAATGCCCAAGATGGGGACGAAGGTGTGGGAGGAGATAAAATCCAGCATCTGGGCTACG-3'

ClinVar aggregate classification (germline): Pathogenic (1 of 4 stars; one submission).

Conditions:
Landau-Kleffner syndrome (FESD). Also called: EPILEPSY, FOCAL, WITH SPEECH DISORDER AND WITH OR WITHOUT MENTAL RETARDATION; APHASIA, ACQUIRED, WITH EPILEPSY. Identifiers: Orphanet 1945, Orphanet 725, Orphanet 98818, MedGen C0282512, MONDO:0009509, OMIM 245570.

Submission:

Labcorp Genetics (formerly Invitae), Labcorp
Classification: Pathogenic for Landau-Kleffner syndrome. Last evaluated: 2024-08-28. Review status: criteria provided, single submitter. Criteria: Invitae Variant Classification Sherloc (09022015). Collection method: clinical testing. Allele origin: germline.
Comment: This sequence change creates a premature translational stop signal (p.His128Glnfs*6) in the GRIN2A gene. It is expected to result in an absent or disrupted protein product. Loss-of-function variants in GRIN2A are known to be pathogenic (PMID: 23933819, 23933820). This variant is not present in population databases (gnomAD no frequency). This variant has not been reported in the literature in individuals affected with GRIN2A-related conditions. For these reasons, this variant has been classified as Pathogenic.

Literature cited by the submitters: PubMed 23933819; PubMed 23933820.